The following is an entry in ClinVar:

NM_003024.3(ITSN1):c.127C>G (p.Gln43Glu)

Gene: ITSN1 (intersectin 1; plus strand). Cytogenetic location: 21q22.11.
Variant type: single nucleotide variant.
Coding change: c.127C>G on transcript NM_003024.3 (MANE Select); coding-DNA position 127, C replaced by G.
Protein change: p.Gln43Glu; replaces glutamine 43 with glutamic acid.
Molecular consequence: missense variant.
Genome position (GRCh38, 1-based): chr21:33,722,593, C>G. VCF-style: chr21-33722593-C-G. GRCh37 (hg19) VCF-style: chr21-35094898-C-G.
Other names: c.127C>G, p.Gln43Glu (NM_001001132.2, NM_001331008.2, NM_001331009.2 and 3 more transcripts); short protein forms Q43E.
Identifiers: ClinVar variation 3373204 (VCV003373204.2).
Genomic context (GRCh38, chr21:33,722,593, plus strand): 5'-TGTCAGCTGTTGTTTTTTTTTTTTTTTCCTGAAACTTTTTCTGTTTAATTTACAGGTGAT[C>G]AAGCTAGAAACTTTTTTTTTCAATCTGGGTTACCTCAACCTGTTTTAGCACAGATATGGT-3'
Protein context (NP_003015.2, residues 33-53): KPISGFITGD[Gln43Glu]ARNFFFQSGL

ClinVar aggregate classification (germline): Uncertain significance (1 of 4 stars; one submission).

Submission:

GeneDx
Classification: Uncertain significance. Last evaluated: 2025-10-14. Review status: criteria provided, single submitter. Criteria: GeneDx Variant Classification Process June 2021. Collection method: clinical testing. Allele origin: germline. Affected: yes.
Comment: Not observed at significant frequency in large population cohorts (gnomAD); In silico analysis supports that this missense variant has a deleterious effect on protein structure/function; Has not been previously published as pathogenic or benign to our knowledge